The following is an entry in ClinVar:

NM_006379.5(SEMA3C):c.713C>T (p.Ala238Val)

Gene: SEMA3C (semaphorin 3C; minus strand). Cytogenetic location: 7q21.11.
Variant type: single nucleotide variant.
Coding change: c.713C>T on transcript NM_006379.5 (MANE Select); coding-DNA position 713, C replaced by T.
Protein change: p.Ala238Val; replaces alanine 238 with valine.
Molecular consequence: missense variant.
Genome position (GRCh38, 1-based): chr7:80,804,194, G>A on the plus strand (C>T on the coding strand, the complement: SEMA3C is on the minus strand). VCF-style: chr7-80804194-G-A. GRCh37 (hg19) VCF-style: chr7-80433510-G-A.
Other names: c.767C>T, p.Ala256Val (NM_001350120.2); c.539C>T, p.Ala180Val (NM_001350121.2); short protein forms A180V, A238V, A256V.
Identifiers: ClinVar variation 4996705 (VCV004996705.1).

ClinVar aggregate classification (germline): Uncertain significance (1 of 4 stars; one submission).

Conditions:
SEMA3C-related disorder. Also called: SEMA3C-related condition.

Submission:

PreventionGenetics, part of Exact Sciences
Classification: Uncertain significance for SEMA3C-related condition. Last evaluated: 2026-03-10. Review status: criteria provided, single submitter. Criteria: ACMG Guidelines, 2015. Collection method: clinical testing. Allele origin: germline.
Comment: The SEMA3C c.767C>T variant is predicted to result in the amino acid substitution p.Ala256Val. To our knowledge, this variant has not been reported in the literature or in a large population database (gnomAD), indicating this variant is rare. At this time, the clinical significance of this variant is uncertain due to the absence of conclusive functional and genetic evidence.